The following is an entry in ClinVar:

NM_001005242.3(PKP2):c.172G>T (p.Glu58Ter)

Gene: PKP2 (plakophilin 2; minus strand). Cytogenetic location: 12p11.21.
Variant type: single nucleotide variant.
Coding change: c.172G>T on transcript NM_001005242.3 (MANE Select); coding-DNA position 172, G replaced by T.
Protein change: p.Glu58Ter; replaces glutamic acid 58 with a stop codon.
Molecular consequence: nonsense. On other transcripts: 5 prime UTR variant (4).
Genome position (GRCh38, 1-based): chr12:32,896,560, C>A on the plus strand (G>T on the coding strand, the complement: PKP2 is on the minus strand). VCF-style: chr12-32896560-C-A. GRCh37 (hg19) VCF-style: chr12-33049494-C-A.
Other names: c.172G>T, p.Glu58Ter (NM_001407155.1, NM_001407156.1, NM_001407157.1 and 2 more transcripts); c.-655G>T (NM_001407158.1, NM_001407162.1); c.-419G>T (NM_001407159.1, NM_001407160.1); short protein forms E58*.
Identifiers: ClinVar variation 2573528 (VCV002573528.2), dbSNP rs1197820814, ClinGen allele CA384370911.

ClinVar aggregate classification (germline): Pathogenic. Review status: criteria provided, multiple submitters, no conflicts (2 of 4 stars). 2 submissions from 2 submitters: Pathogenic (2). Last evaluated 2026-01-26.

Conditions:
Cardiovascular phenotype. Identifiers: MedGen CN230736.
Familial isolated arrhythmogenic right ventricular dysplasia. Identifiers: Orphanet 217656, MedGen C4274968, MONDO:0016342.

Submissions (2):

Ambry Genetics
Classification: Pathogenic for Cardiovascular phenotype. Last evaluated: 2026-01-26. Review status: criteria provided, single submitter. Criteria: Ambry Variant Classification Scheme 2023. Collection method: clinical testing. Allele origin: germline.
Comment: The c.172G>T (p.E58*) alteration, located in exon 1 (coding exon 1) of the PKP2 gene, consists of a G to T substitution at nucleotide position 172. This changes the amino acid from a glutamic acid (E) to a stop codon at amino acid position 58. This variant is expected to result in loss of function by premature protein truncation or nonsense-mediated mRNA decay. This variant was not reported in population-based cohorts in the Genome Aggregation Database (gnomAD). Based on the available evidence, this alteration is classified as pathogenic.

Women's Health and Genetics/Laboratory Corporation of America, LabCorp
Classification: Pathogenic for Familial isolated arrhythmogenic right ventricular dysplasia. Last evaluated: 2023-06-19. Review status: criteria provided, single submitter. Criteria: LabCorp Variant Classification Summary - May 2015. Collection method: clinical testing. Allele origin: germline.
Comment: Variant summary: PKP2 c.172G>T (p.Glu58X) results in a premature termination codon, predicted to cause a truncation of the encoded protein or absence of the protein due to nonsense mediated decay, which are commonly known mechanisms for disease. The variant was absent in 216772 control chromosomes. To our knowledge, no occurrence of c.172G>T in individuals affected with PKP2-related conditions and no experimental evidence demonstrating its impact on protein function have been reported. No clinical diagnostic laboratories have submitted clinical-significance assessments for this variant to ClinVar after 2014. Based on the evidence outlined above, the variant was classified as pathogenic.